The following is an entry in ClinVar:

ClinVar aggregate classification (germline): Uncertain significance (1 of 4 stars; one submission).

Conditions:
Wilms tumor 1 (WT1). Also called: Wilms tumor, somatic. Identifiers: Orphanet 654, MedGen CN033288, MONDO:0008679, OMIM 194070.

Submission:

Labcorp Genetics (formerly Invitae), Labcorp
Classification: Uncertain significance for Wilms tumor 1. Last evaluated: 2022-06-13. Review status: criteria provided, single submitter. Criteria: Invitae Variant Classification Sherloc (09022015). Collection method: clinical testing. Allele origin: germline.
Comment: In summary, the available evidence is currently insufficient to determine the role of this variant in disease. Therefore, it has been classified as a Variant of Uncertain Significance. Algorithms developed to predict the effect of missense changes on protein structure and function are either unavailable or do not agree on the potential impact of this missense change (SIFT: "Tolerated"; PolyPhen-2: "Probably Damaging"; Align-GVGD: "Class C0"). ClinVar contains an entry for this variant (Variation ID: 543096). This variant has not been reported in the literature in individuals affected with GPC3-related conditions. This variant is not present in population databases (gnomAD no frequency). This sequence change replaces alanine, which is neutral and non-polar, with glutamic acid, which is acidic and polar, at codon 201 of the GPC3 protein (p.Ala201Glu).

NM_004484.4(GPC3):c.602C>A (p.Ala201Glu)

Gene: GPC3 (glypican 3; minus strand). Cytogenetic location: Xq26.2.
Variant type: single nucleotide variant.
Coding change: c.602C>A on transcript NM_004484.4 (MANE Select); coding-DNA position 602, C replaced by A.
Protein change: p.Ala201Glu; replaces alanine 201 with glutamic acid.
Molecular consequence: missense variant.
Genome position (GRCh38, 1-based): chrX:133,753,912, G>T on the plus strand (C>A on the coding strand, the complement: GPC3 is on the minus strand). VCF-style: chrX-133753912-G-T. GRCh37 (hg19) VCF-style: chrX-132887939-G-T.
Other names: c.602C>A, p.Ala201Glu (NM_001164617.2); c.554C>A, p.Ala185Glu (NM_001164618.2); c.440C>A, p.Ala147Glu (NM_001164619.2); short protein forms A201E, A147E, A185E.
Identifiers: ClinVar variation 543096 (VCV000543096.9), dbSNP rs201344338, ClinGen allele CA414706264.